The following is an entry in ClinVar:

ClinVar aggregate classification (germline): Conflicting classifications of pathogenicity. Review status: criteria provided, conflicting classifications (1 of 4 stars). 3 submissions from 3 submitters: Uncertain significance (1); Likely benign (2). Last evaluated 2026-01-18.

Conditions:
Congenital stationary night blindness 1C. Also called: Night blindness, congenital stationary (complete), 1C, autosomal recessive. Identifiers: Orphanet 215, MedGen C2750747, MONDO:0013183, OMIM 613216.
TRPM1-related disorder. Also called: TRPM1-related condition.

Allele frequency attached by ClinVar (database versions not stated): gnomAD 0.00003 and 0.00004; TOPMed 0.00003; ExAC 0.00006; ESP Exome Variant Server 0.00008; gnomAD exomes 0.00010.
gnomAD v4.1: 63 of 1,614,060 alleles (0.0039%); highest among the groups gnomAD compares: Admixed American, 0.0067%; no homozygotes.

Submissions (3):

Labcorp Genetics (formerly Invitae), Labcorp
Classification: Likely benign. Last evaluated: 2026-01-18. Review status: criteria provided, single submitter. Criteria: Invitae Variant Classification Sherloc (09022015). Collection method: clinical testing. Allele origin: germline.

PreventionGenetics, part of Exact Sciences
Classification: Likely benign for TRPM1-related condition. Last evaluated: 2025-12-26. Review status: criteria provided, single submitter. Criteria: ACMG Guidelines, 2015. Collection method: clinical testing. Allele origin: germline.
Comment: This variant is classified as likely benign based on ACMG/AMP sequence variant interpretation guidelines (Richards et al. 2015 PMID: 25741868, with internal and published modifications).

Illumina Laboratory Services, Illumina
Classification: Uncertain significance for Congenital stationary night blindness 1C. Last evaluated: 2018-01-12. Review status: criteria provided, single submitter. Criteria: ICSL Variant Classification Criteria 13 December 2019. Collection method: clinical testing. Allele origin: germline.

NM_001252024.2(TRPM1):c.1905C>T (p.His635=)

Gene: TRPM1 (transient receptor potential cation channel subfamily M member 1; minus strand). Cytogenetic location: 15q13.3.
Variant type: single nucleotide variant.
Coding change: c.1905C>T on transcript NM_001252024.2 (MANE Select); coding-DNA position 1905, C replaced by T.
Protein change: p.His635=; no amino-acid change (histidine 635 retained).
Molecular consequence: synonymous variant.
Genome position (GRCh38, 1-based): chr15:31,042,133, G>A on the plus strand (C>T on the coding strand, the complement: TRPM1 is on the minus strand). VCF-style: chr15-31042133-G-A. GRCh37 (hg19) VCF-style: chr15-31334336-G-A.
Other names: c.1956C>T, p.His652= (NM_001252020.2); c.1839C>T, p.His613= (NM_002420.6); c.1956C>T (NM_001252020.1).
Identifiers: ClinVar variation 315518 (VCV000315518.14), dbSNP rs377099385, ClinGen allele CA7452366.